The following is an entry in ClinVar:

ClinVar aggregate classification (germline): Uncertain significance (1 of 4 stars; one submission).

gnomAD v4.1: 2 of 1,612,742 alleles (0.00012%); highest among the groups gnomAD compares: Non-Finnish European, 0.00017%; no homozygotes.

Submission:

Labcorp Genetics (formerly Invitae), Labcorp
Classification: Uncertain significance. Last evaluated: 2024-06-21. Review status: criteria provided, single submitter. Criteria: Invitae Variant Classification Sherloc (09022015). Collection method: clinical testing. Allele origin: germline.
Comment: This sequence change replaces cysteine, which is neutral and slightly polar, with phenylalanine, which is neutral and non-polar, at codon 119 of the HJV protein (p.Cys119Phe). This variant is not present in population databases (gnomAD no frequency). This missense change has been observed in individual(s) with hereditary hemochormotosis (PMID: 15811010; Invitae). In at least one individual the data is consistent with being in trans (on the opposite chromosome) from a pathogenic variant. An algorithm developed to predict the effect of missense changes on protein structure and function (PolyPhen-2) suggests that this variant is likely to be disruptive. Experimental studies are conflicting or provide insufficient evidence to determine the effect of this variant on HJV function (PMID: 17264300, 18827264). In summary, the available evidence is currently insufficient to determine the role of this variant in disease. Therefore, it has been classified as a Variant of Uncertain Significance.

Literature cited by the submitters: PubMed 15811010; PubMed 17264300; PubMed 18827264.

NM_213653.4(HJV):c.356G>T (p.Cys119Phe)

Gene: HJV (hemojuvelin BMP co-receptor; minus strand). Cytogenetic location: 1q21.1.
Variant type: single nucleotide variant.
Coding change: c.356G>T on transcript NM_213653.4 (MANE Select); coding-DNA position 356, G replaced by T.
Protein change: p.Cys119Phe; replaces cysteine 119 with phenylalanine.
Molecular consequence: missense variant. On other transcripts: intron variant (3).
Genome position (GRCh38, 1-based): chr1:146,019,476, C>A on the plus strand (G>T on the coding strand, the complement: HJV is on the minus strand). VCF-style: chr1-146019476-C-A. GRCh37 (hg19) VCF-style: chr1-145415537-G-T.
Other names: c.356G>T, p.Cys119Phe (NM_001379352.1); c.17G>T, p.Cys6Phe (NM_145277.5); c.-21-776G>T (NM_213652.4); c.-22+222G>T (NM_202004.4, NM_001316767.2); short protein forms C119F, C6F.
Identifiers: ClinVar variation 3720238 (VCV003720238.2).
Genomic context (GRCh38, chr1:146,019,476, plus strand): 5'-CCCGCGCCTGGAAGGGCGGGGCCCCGGGGCGGGGGAGGGGCTGTAGGGCCCTGGCGGGAG[C>A]AGTTGTGCTGGATCATCAGGTCTTCGATGCCATGTACCGCCGAATGGAAGGCGAGGTCCC-3'
Protein context (NP_998818.1, residues 109-129): GIEDLMIQHN[Cys119Phe]SRQGPTAPPP